The following is an entry in ClinVar:

NM_001243133.2(NLRP3):c.2530G>T (p.Asp844Tyr)

Gene: NLRP3 (NLR family pyrin domain containing 3; plus strand). Cytogenetic location: 1q44.
Variant type: single nucleotide variant.
Coding change: c.2530G>T on transcript NM_001243133.2 (MANE Select); coding-DNA position 2530, G replaced by T.
Protein change: p.Asp844Tyr; replaces aspartic acid 844 with tyrosine.
Molecular consequence: missense variant. On other transcripts: intron variant (2).
Genome position (GRCh38, 1-based): chr1:247,436,007, G>T. VCF-style: chr1-247436007-G-T. GRCh37 (hg19) VCF-style: chr1-247599309-G-T.
Other names: c.2530G>T, p.Asp844Tyr (NM_001079821.3); c.2359G>T, p.Asp787Tyr (NM_001127462.3); c.2536G>T, p.Asp846Tyr (NM_004895.5); c.2492+1734G>T (NM_001127461.3); c.2321+1734G>T (NM_183395.3); short protein forms D844Y, D787Y, D846Y.
Identifiers: ClinVar variation 1496785 (VCV001496785.9), dbSNP rs1409419107, ClinGen allele CA345562099.

ClinVar aggregate classification (germline): Uncertain significance. Review status: criteria provided, multiple submitters, no conflicts (2 of 4 stars). 2 submissions from 2 submitters: Uncertain significance (2). Last evaluated 2022-02-08.

Conditions:
Familial amyloid nephropathy with urticaria AND deafness (MWS). Also called: MUCKLE-WELLS SYNDROME; UDA SYNDROME; URTICARIA-DEAFNESS-AMYLOIDOSIS SYNDROME; Urticaria, deafness and amyloidosis; CRYOPYRIN-ASSOCIATED PERIODIC SYNDROME 2. Identifiers: Orphanet 575, MedGen C0268390, MONDO:0008633, OMIM 191900.
Hearing loss, autosomal dominant 34, with or without inflammation. Also called: DEAFNESS, AUTOSOMAL DOMINANT 34, WITH OR WITHOUT INFLAMMATION. Identifiers: MedGen C4521680, MONDO:0033261, OMIM 617772.
Chronic infantile neurological, cutaneous and articular syndrome (CINCA). Also called: CINCA syndrome; CHRONIC NEUROLOGIC CUTANEOUS AND ARTICULAR SYNDROME; Prieur Griscelli syndrome; CRYOPYRIN-ASSOCIATED PERIODIC SYNDROME 3. Identifiers: Orphanet 1451, MedGen C0409818, MONDO:0011776, OMIM 607115.
Familial cold autoinflammatory syndrome 1 (FCAS1). Also called: CRYOPYRIN-ASSOCIATED PERIODIC SYNDROME 1; Familial cold inflammatory syndrome 1. Identifiers: Orphanet 47045, MedGen C4551895, MONDO:0007349, OMIM 120100.
Keratitis fugax hereditaria. Also called: KERATOENDOTHELIITIS FUGAX HEREDITARIA. Identifiers: Orphanet 647815, MedGen C1835697, MONDO:0007849, OMIM 148200.
Cryopyrin associated periodic syndrome (CAPS). Identifiers: Orphanet 208650, MedGen C2316212, MONDO:0016168.

Allele frequency attached by ClinVar (database versions not stated): TOPMed below 0.00001; gnomAD 0.00001.
gnomAD v4.1: 3 of 1,614,014 alleles (0.00019%); highest among the groups gnomAD compares: East Asian, 0.0067%; no homozygotes.

Submissions (2):

Fulgent Genetics
Classification: Uncertain significance for Familial cold autoinflammatory syndrome 1; Keratitis fugax hereditaria; Familial amyloid nephropathy with urticaria AND deafness; Chronic infantile neurological, cutaneous and articular syndrome; Hearing loss, autosomal dominant 34, with or without inflammation. Last evaluated: 2022-02-08. Review status: criteria provided, single submitter. Criteria: ACMG Guidelines, 2015. Collection method: clinical testing. Allele origin: unknown.

Labcorp Genetics (formerly Invitae), Labcorp
Classification: Uncertain significance for Cryopyrin associated periodic syndrome. Last evaluated: 2020-12-23. Review status: criteria provided, single submitter. Criteria: Invitae Variant Classification Sherloc (09022015). Collection method: clinical testing. Allele origin: germline.
Comment: This sequence change replaces aspartic acid with tyrosine at codon 846 of the NLRP3 protein (p.Asp846Tyr). The aspartic acid residue is weakly conserved and there is a large physicochemical difference between aspartic acid and tyrosine. In summary, the available evidence is currently insufficient to determine the role of this variant in disease. Therefore, it has been classified as a Variant of Uncertain Significance. Algorithms developed to predict the effect of missense changes on protein structure and function are either unavailable or do not agree on the potential impact of this missense change (SIFT: "Tolerated"; PolyPhen-2: "Probably Damaging"; Align-GVGD: "Class C0"). This variant has not been reported in the literature in individuals with NLRP3-related conditions. This variant is not present in population databases (ExAC no frequency).